The following is an entry in ClinVar:

NM_003907.3(EIF2B5):c.1625G>C (p.Gly542Ala)

Gene: EIF2B5 (eukaryotic translation initiation factor 2B subunit epsilon; plus strand). Cytogenetic location: 3q27.1.
Variant type: single nucleotide variant.
Coding change: c.1625G>C on transcript NM_003907.3 (MANE Select); coding-DNA position 1625, G replaced by C.
Protein change: p.Gly542Ala; replaces glycine 542 with alanine.
Molecular consequence: missense variant.
Genome position (GRCh38, 1-based): chr3:184,142,857, G>C. VCF-style: chr3-184142857-G-C. GRCh37 (hg19) VCF-style: chr3-183860645-G-C.
Other names: short protein forms G542A.
Identifiers: ClinVar variation 1432046 (VCV001432046.7), dbSNP rs765352143, ClinGen allele CA355391919.

ClinVar aggregate classification (germline): Uncertain significance (1 of 4 stars; one submission).

Allele frequency attached by ClinVar (database versions not stated): TOPMed below 0.00001.
gnomAD v4.1: 5 of 1,614,040 alleles (0.00031%); highest among the groups gnomAD compares: Admixed American, 0.0083%; no homozygotes.

Submission:

Labcorp Genetics (formerly Invitae), Labcorp
Classification: Uncertain significance. Last evaluated: 2024-10-16. Review status: criteria provided, single submitter. Criteria: Invitae Variant Classification Sherloc (09022015). Collection method: clinical testing. Allele origin: germline.
Comment: This sequence change replaces glycine, which is neutral and non-polar, with alanine, which is neutral and non-polar, at codon 542 of the EIF2B5 protein (p.Gly542Ala). This variant is present in population databases (no rsID available, gnomAD 0.01%). This variant has not been reported in the literature in individuals affected with EIF2B5-related conditions. ClinVar contains an entry for this variant (Variation ID: 1432046). Invitae Evidence Modeling of protein sequence and biophysical properties (such as structural, functional, and spatial information, amino acid conservation, physicochemical variation, residue mobility, and thermodynamic stability) indicates that this missense variant is not expected to disrupt EIF2B5 protein function with a negative predictive value of 80%. In summary, the available evidence is currently insufficient to determine the role of this variant in disease. Therefore, it has been classified as a Variant of Uncertain Significance.